The following is an entry in ClinVar:

ClinVar aggregate classification (germline): Pathogenic (0 of 4 stars; one submission).

Conditions:
Fanconi anemia complementation group A (FANCA). Also called: Fanconi anemia, group A; FANCA-Related Fanconi Anemia. Identifiers: Orphanet 84, MedGen C3469521, MONDO:0009215, OMIM 227650.

Submissions (2):

Leiden Open Variation Database
Classification: Pathogenic for Fanconi anemia complementation group A. Last evaluated: 2020-02-28. Review status: no assertion criteria provided. Collection method: curation. Allele origin: germline. Affected: yes.
Comment: Curator: Arleen D. Auerbach. Submitter to LOVD: Arleen D. Auerbach.

Dr. Peter K. Rogan Lab, Western University
No classification provided (evidence only). Condition: Malignant tumor of esophagus. Review status: no classification provided. Collection method: in vitro. Allele origin: not applicable. Functional consequence: retained intron. Not counted in ClinVar's aggregate classification.

Literature cited by the submitters: PubMed 16084127 (cited by Leiden Open Variation Database).

NM_000135.4(FANCA):c.3239G>T (p.Arg1080Leu)

Gene: FANCA (FA complementation group A; minus strand). Cytogenetic location: 16q24.3.
Variant type: single nucleotide variant.
Coding change: c.3239G>T on transcript NM_000135.4 (MANE Select); coding-DNA position 3239, G replaced by T.
Protein change: p.Arg1080Leu; replaces arginine 1080 with leucine.
Molecular consequence: missense variant.
Genome position (GRCh38, 1-based): chr16:89,749,730, C>A on the plus strand (G>T on the coding strand, the complement: FANCA is on the minus strand). VCF-style: chr16-89749730-C-A. GRCh37 (hg19) VCF-style: chr16-89816138-C-A.
Other names: c.3239G>T, p.Arg1080Leu (NM_001286167.3); short protein forms R1080L.
Identifiers: ClinVar variation 974259 (VCV000974259.2), dbSNP rs1555538571, ClinGen allele CA397486417.